The following is an entry in ClinVar:

ClinVar aggregate classification (germline): Uncertain significance. Review status: criteria provided, multiple submitters, no conflicts (2 of 4 stars). 2 submissions from 2 submitters: Uncertain significance (2). Last evaluated 2019-05-28.

Conditions:
Juvenile myelomonocytic leukemia (JMML). Also called: LEUKEMIA, JUVENILE MYELOMONOCYTIC, SOMATIC. Identifiers: Orphanet 86834, MedGen C0349639, MONDO:0011908, OMIM 607785, HP:0012209.
Neurofibromatosis-Noonan syndrome (NFNS). Also called: NEUROFIBROMATOSIS WITH NOONAN PHENOTYPE. Identifiers: Orphanet 638, MedGen C2931482, MONDO:0011035, OMIM 601321. Disease mechanism: loss of function.
Café-au-lait macules with pulmonary stenosis (WTSN). Also called: PULMONIC STENOSIS WITH CAFE-AU-LAIT SPOTS. Identifiers: MedGen C0553586, MONDO:0008672, OMIM 193520.
Neurofibromatosis, familial spinal (FSNF). Identifiers: Orphanet 636, MedGen C1834235, MONDO:0008078, OMIM 162210. Disease mechanism: loss of function.
Neurofibromatosis, type 1 (NF1). Also called: Neurofibromatosis, type I; NEUROFIBROMATOSIS, TYPE I, SOMATIC; Peripheral type neurofibromatosis; VON RECKLINGHAUSEN DISEASE. Identifiers: Orphanet 636, MedGen C0027831, MONDO:0018975, OMIM 162200. Disease mechanism: loss of function.
Hereditary cancer-predisposing syndrome. Also called: Tumor predisposition; Hereditary Cancer Syndrome; Neoplastic Syndromes, Hereditary; Hereditary neoplastic syndrome. Identifiers: Orphanet 140162, MedGen C0027672, MeSH D009386, MONDO:0015356.
Cardiovascular phenotype. Identifiers: MedGen CN230736.

Submissions (2):

Ambry Genetics
Classification: Uncertain significance for Cardiovascular phenotype; Hereditary cancer-predisposing syndrome. Last evaluated: 2019-05-28. Review status: criteria provided, single submitter. Criteria: Ambry Variant Classification Scheme 2023. Collection method: clinical testing. Allele origin: germline.
Comment: The p.H130P variant (also known as c.389A>C), located in coding exon 4 of the NF1 gene, results from an A to C substitution at nucleotide position 389. The histidine at codon 130 is replaced by proline, an amino acid with similar properties. This amino acid position is highly conserved in available vertebrate species. In addition, this alteration is predicted to be deleterious by in silico analysis. Since supporting evidence is limited at this time, the clinical significance of this alteration remains unclear.

Juno Genomics, Hangzhou Juno Genomics, Inc
Classification: Uncertain significance for Neurofibromatosis, type 1; Juvenile myelomonocytic leukemia; Neurofibromatosis, familial spinal; Neurofibromatosis-Noonan syndrome; Café-au-lait macules with pulmonary stenosis. Review status: criteria provided, single submitter. Criteria: ACMG Guidelines, 2015. Collection method: clinical testing. Allele origin: germline.
Comment: Missense variant in a gene that has a low rate of benign missense variation.;Multiple lines of computational evidence support a deleterious effect on the gene or gene product.;Absent from controls (or at extremely low frequency if recessive) in Genome Aggregation Database.

NM_001042492.3(NF1):c.389A>C (p.His130Pro)

Gene: NF1 (neurofibromin 1; plus strand). Cytogenetic location: 17q11.2.
Variant type: single nucleotide variant.
Coding change: c.389A>C on transcript NM_001042492.3 (MANE Select); coding-DNA position 389, A replaced by C.
Protein change: p.His130Pro; replaces histidine 130 with proline.
Molecular consequence: missense variant.
Genome position (GRCh38, 1-based): chr17:31,163,286, A>C. VCF-style: chr17-31163286-A-C. GRCh37 (hg19) VCF-style: chr17-29490304-A-C.
Other names: c.389A>C, p.His130Pro (NM_000267.4, NM_001128147.3); short protein forms H130P.
Identifiers: ClinVar variation 1735966 (VCV001735966.4), dbSNP rs876660277, ClinGen allele CA398981847.